The following is an entry in ClinVar:

NM_000051.4(ATM):c.8823T>C (p.Ser2941=)

Genes: ATM (ATM serine/threonine kinase; plus strand), C11orf65 (chromosome 11 open reading frame 65; minus strand). Cytogenetic location: 11q22.3.
Variant type: single nucleotide variant.
Coding change: c.8823T>C on transcript NM_000051.4 (MANE Select); coding-DNA position 8823, T replaced by C.
Protein change: p.Ser2941=; no amino-acid change (serine 2941 retained).
Molecular consequence: synonymous variant. On other transcripts: intron variant (2).
Genome position (GRCh38, 1-based): chr11:108,354,847, T>C. VCF-style: chr11-108354847-T-C. GRCh37 (hg19) VCF-style: chr11-108225574-T-C.
Other names: c.8823T>C, p.Ser2941= (NM_001351834.2); c.640+31073A>G (NM_001330368.2); c.695-19555A>G (NM_001351110.2).
Identifiers: ClinVar variation 414570 (VCV000414570.10), dbSNP rs1060504288, ClinGen allele CA16613457.
Genomic context (GRCh38, chr11:108,354,847, plus strand): 5'-TATTTATAATGTGTTTGACTCTAGATGCTGTGAGAAAACCATGGAAGTGATGAGAAACTC[T>C]CAGGAAACTCTGTTAACCATTGTAGAGGTAAAGTATTTTATAAGGAAGACTTTATTTTTT-3'
Protein context (NP_000042.3, residues 2931-2951): CEKTMEVMRN[Ser2941=]QETLLTIVEV

ClinVar aggregate classification (germline): Benign/Likely benign. Review status: criteria provided, multiple submitters, no conflicts (2 of 4 stars). 2 submissions from 2 submitters: Benign (1); Likely benign (1). Last evaluated 2024-11-22.

Conditions:
Familial cancer of breast. Also called: Hereditary breast cancer; BREAST CANCER, FAMILIAL; hereditary breast carcinoma. Identifiers: Orphanet 227535, MedGen C0346153, MONDO:0016419, OMIM 114480. Disease mechanism: loss of function.
Ataxia-telangiectasia syndrome (AT). Also called: LOUIS-BAR SYNDROME; Cerebello-oculocutaneous telangiectasia; Immunodeficiency with ataxia telangiectasia; Ataxia-telangiectasia, complementation group D; AT, COMPLEMENTATION GROUP C; Ataxia-telangiectasia, complementation group E. Identifiers: Orphanet 100, MedGen C0004135, MONDO:0008840, OMIM 208900.

Submissions (2):

Labcorp Genetics (formerly Invitae), Labcorp
Classification: Likely benign for Ataxia-telangiectasia syndrome. Last evaluated: 2024-11-22. Review status: criteria provided, single submitter. Criteria: Invitae Variant Classification Sherloc (09022015). Collection method: clinical testing. Allele origin: germline.

Myriad Genetics, Inc.
Classification: Benign for Familial cancer of breast. Last evaluated: 2024-06-21. Review status: criteria provided, single submitter. Criteria: Myriad Autosomal Dominant, Autosomal Recessive and X-Linked Classification Criteria (2023). Collection method: clinical testing. Allele origin: unknown.
Comment: This variant is considered benign. This variant is a silent/synonymous amino acid change and it is not expected to impact splicing.